The following is an entry in ClinVar:

ClinVar aggregate classification (germline): Pathogenic (1 of 4 stars; one submission).

Submission:

Labcorp Genetics (formerly Invitae), Labcorp
Classification: Pathogenic. Last evaluated: 2023-08-24. Review status: criteria provided, single submitter. Criteria: Invitae Variant Classification Sherloc (09022015). Collection method: clinical testing. Allele origin: germline.
Comment: For these reasons, this variant has been classified as Pathogenic. This variant has not been reported in the literature in individuals affected with DCHS1-related conditions. This variant is not present in population databases (gnomAD no frequency). This sequence change creates a premature translational stop signal (p.Leu1476Profs*64) in the DCHS1 gene. It is expected to result in an absent or disrupted protein product. Loss-of-function variants in DCHS1 are known to be pathogenic (PMID: 24056717, 26258302).

Literature cited by the submitters: PubMed 24056717; PubMed 26258302.

NM_003737.4(DCHS1):c.4424dup (p.Leu1476fs)

Gene: DCHS1 (dachsous cadherin-related 1; minus strand). Cytogenetic location: 11p15.4.
Variant type: Duplication.
Coding change: c.4424dup on transcript NM_003737.4 (MANE Select); coding-DNA position 4424, one base duplicated (G; older notation c.4424dupG).
Protein change: p.Leu1476fs; shifts the reading frame from leucine 1476.
Molecular consequence: frameshift variant.
Genome position (GRCh38, 1-based): chr11:6,630,370, C duplicated on the plus strand (G on the coding strand, the reverse complement: DCHS1 is on the minus strand). VCF-style (leftmost placement, unchanged base first): chr11-6630369-G-GC. GRCh37 (hg19) VCF-style: chr11-6651600-G-GC.
Other names: short protein forms L1476fs.
Identifiers: ClinVar variation 2754963 (VCV002754963.3), dbSNP rs2493824378, ClinGen allele CA2697548410.
Genomic context (GRCh38, chr11:6,630,369, plus strand): 5'-GAGCGCCCCGGTGCGCGCGTCCAGGCGAAGCGCCGGCACGGGCGGCTCCTGGCGCAGCAG[G>GC]CGGTAGCGCACGTCGCTATTGGGGCCGGGGCCGTCGGCGTCCGACGCGCGGAAAGTGTAC-3'